The following is an entry in ClinVar:

NM_001267550.2(TTN):c.202C>T (p.Pro68Ser)

Gene: TTN (titin; minus strand). Cytogenetic location: 2q31.2.
Variant type: single nucleotide variant.
Coding change: c.202C>T on transcript NM_001267550.2 (MANE Select); coding-DNA position 202, C replaced by T.
Protein change: p.Pro68Ser; replaces proline 68 with serine.
Molecular consequence: missense variant.
Genome position (GRCh38, 1-based): chr2:178,802,231, G>A on the plus strand (C>T on the coding strand, the complement: TTN is on the minus strand). VCF-style: chr2-178802231-G-A. GRCh37 (hg19) VCF-style: chr2-179666958-G-A.
Other names: c.202C>T, p.Pro68Ser (NM_133378.4, NM_001256850.1, NM_003319.4 and 3 more transcripts); short protein forms P68S.
Identifiers: ClinVar variation 229402 (VCV000229402.9), dbSNP rs876658046, ClinGen allele CA10576583.

ClinVar aggregate classification (germline): Uncertain significance. Review status: criteria provided, multiple submitters, no conflicts (2 of 4 stars). 4 submissions from 4 submitters: Uncertain significance (4). Last evaluated 2024-07-29.

Conditions:
Cardiovascular phenotype. Identifiers: MedGen CN230736.
Autosomal recessive limb-girdle muscular dystrophy type 2J (LGMDR10). Also called: MUSCULAR DYSTROPHY, LIMB-GIRDLE, AUTOSOMAL RECESSIVE 10; Limb-girdle muscular dystrophy, type 2J. Identifiers: Orphanet 140922, MedGen C1837342, MONDO:0012127, OMIM 608807.
Tibial muscular dystrophy (TMD). Also called: Udd Distal Myopathy – Tibial Muscular Dystrophy; UDD MYOPATHY; Tibial muscular dystrophy, tardive. Identifiers: Orphanet 609, MedGen C1838244, MONDO:0010870, OMIM 600334.
Dilated cardiomyopathy 1G (CMD1G). Identifiers: Orphanet 154, MedGen C1858763, MONDO:0011400, OMIM 604145.
Early-onset myopathy with fatal cardiomyopathy (CMYO5). Also called: CONGENITAL MYOPATHY 5 WITH CARDIOMYOPATHY; Salih Myopathy. Identifiers: Orphanet 289377, MedGen C2673677, MONDO:0012714, OMIM 611705. Disease mechanism: loss of function.
Myopathy, myofibrillar, 9, with early respiratory failure (MFM9). Also called: EDSTROM MYOPATHY; MYOPATHY, PROXIMAL, WITH EARLY RESPIRATORY MUSCLE INVOLVEMENT; Hereditary myopathy with early respiratory failure; Myopathy, distal, with early respiratory failure, autosomal dominant. Identifiers: Orphanet 178464, Orphanet 34521, MedGen C1863599, MONDO:0011362, OMIM 603689.
Hypertrophic cardiomyopathy 9. Also called: Familial hypertrophic cardiomyopathy 9. Identifiers: MedGen C1861065, MONDO:0013412, OMIM 613765.

Allele frequency attached by ClinVar (database versions not stated): gnomAD 0.00001; gnomAD exomes 0.00001.

Submissions (4):

Revvity Omics, Revvity
Classification: Uncertain significance. Last evaluated: 2024-07-29. Review status: criteria provided, single submitter. Criteria: ACMG Guidelines, 2015. Collection method: clinical testing. Allele origin: germline.

Fulgent Genetics
Classification: Uncertain significance for Tibial muscular dystrophy; Myopathy, myofibrillar, 9, with early respiratory failure; Dilated cardiomyopathy 1G; Autosomal recessive limb-girdle muscular dystrophy type 2J; Early-onset myopathy with fatal cardiomyopathy; Hypertrophic cardiomyopathy 9. Last evaluated: 2021-10-18. Review status: criteria provided, single submitter. Criteria: ACMG Guidelines, 2015. Collection method: clinical testing. Allele origin: unknown.

Ambry Genetics
Classification: Uncertain significance for Cardiovascular phenotype. Last evaluated: 2019-01-17. Review status: criteria provided, single submitter. Criteria: Ambry Variant Classification Scheme 2023. Collection method: clinical testing. Allele origin: germline.
Comment: The p.P68S variant (also known as c.202C>T), located in coding exon 2 of the TTN gene, results from a C to T substitution at nucleotide position 202. The proline at codon 68 is replaced by serine, an amino acid with similar properties. This amino acid position is well conserved in available vertebrate species; however, serine is the reference amino acid in other vertebrate species. In addition, this alteration is predicted to be tolerated by in silico analysis. Since supporting evidence is limited at this time, the clinical significance of this alteration remains unclear.

Laboratory for Molecular Medicine, Mass General Brigham Personalized Medicine
Classification: Uncertain significance. Last evaluated: 2015-03-21. Review status: criteria provided, single submitter. Criteria: LMM Criteria. Collection method: clinical testing. Allele origin: germline. Observed: 1 variant allele.
Comment: Variant classified as Uncertain Significance - Favor Benign. The p.Pro68Ser vari ant in TTN has not been previously reported in individuals with cardiomyopathy a nd was absent from large population studies. Proline (Pro) is not conserved in m ammals or evolutionarily distant species and the change to serine (Ser) is prese nt in several species (lizard, coelacanth, southern platyfish, and lamprey), rai sing the possibility that this change may be tolerated. Additional computational prediction tools do not provide strong support for or against an impact to the protein. In summary, while the clinical significance of the p.Pro68Ser variant i s uncertain, the presence of the variant amino acid in multiple other species su ggests that it is more likely to be benign.